The following is an entry in ClinVar:

NM_173086.5(KRT6C):c.929A>C (p.Gln310Pro)

Gene: KRT6C (keratin 6C; minus strand). Cytogenetic location: 12q13.13.
Variant type: single nucleotide variant.
Coding change: c.929A>C on transcript NM_173086.5 (MANE Select); coding-DNA position 929, A replaced by C.
Protein change: p.Gln310Pro; replaces glutamine 310 with proline.
Molecular consequence: missense variant.
Genome position (GRCh38, 1-based): chr12:52,471,280, T>G on the plus strand (A>C on the coding strand, the complement: KRT6C is on the minus strand). VCF-style: chr12-52471280-T-G. GRCh37 (hg19) VCF-style: chr12-52865064-T-G.
Other names: short protein forms Q310P.
Identifiers: ClinVar variation 4623261 (VCV004623261.1).

ClinVar aggregate classification (germline): Uncertain significance (1 of 4 stars; one submission).

Conditions:
Inborn genetic diseases. Identifiers: MedGen C0950123, MeSH D030342.

gnomAD v4.1: 2 of 1,614,128 alleles (0.00012%); highest among the groups gnomAD compares: Non-Finnish European, 0.00017%; no homozygotes.

Submission:

Ambry Genetics
Classification: Uncertain significance for Inborn genetic diseases. Last evaluated: 2025-10-29. Review status: criteria provided, single submitter. Criteria: Ambry Variant Classification Scheme 2023. Collection method: clinical testing. Allele origin: germline.
Comment: The c.929A>C (p.Q310P) alteration is located in exon 5 (coding exon 5) of the KRT6C gene. This alteration results from a A to C substitution at nucleotide position 929, causing the glutamine (Q) at amino acid position 310 to be replaced by a proline (P). Based on data from gnomAD, the C allele has an overall frequency of <0.001% (1/251494) total alleles studied. The highest observed frequency was 0.001% (1/113770) of European (non-Finnish) alleles. Based on insufficient or conflicting evidence, the clinical significance of this alteration remains unclear.